The following is an entry in ClinVar:

ClinVar aggregate classification (germline): Uncertain significance. Review status: criteria provided, multiple submitters, no conflicts (2 of 4 stars). 2 submissions from 2 submitters: Uncertain significance (2). Last evaluated 2026-09-18.

Conditions:
SIX3-related disorder. Also called: SIX3-related condition; SIX3-Related Disorders.
Holoprosencephaly 2 (HPE2). Identifiers: Orphanet 2162, MedGen C1834877, MONDO:0007999, OMIM 157170.

Submissions (2):

PreventionGenetics, part of Exact Sciences
Classification: Uncertain significance for SIX3-related condition. Last evaluated: 2026-09-18. Review status: criteria provided, single submitter. Criteria: ACMG Guidelines, 2015. Collection method: clinical testing. Allele origin: germline.
Comment: The SIX3 c.199_207del9 variant is predicted to result in an in-frame deletion (p.Gly67_Gly69del). To our knowledge, this variant has not been reported in the literature. This variant is reported in 0.012% of alleles in individuals of European (Non-Finnish) descent in gnomAD. At this time, the clinical significance of this variant is uncertain due to the absence of conclusive functional and genetic evidence.

Labcorp Genetics (formerly Invitae), Labcorp
Classification: Uncertain significance for Holoprosencephaly 2. Last evaluated: 2024-02-11. Review status: criteria provided, single submitter. Criteria: Invitae Variant Classification Sherloc (09022015). Collection method: clinical testing. Allele origin: germline.
Comment: This variant, c.199_207del, results in the deletion of 3 amino acid(s) of the SIX3 protein (p.Gly67_Gly69del), but otherwise preserves the integrity of the reading frame. This variant is present in population databases (rs767096834, gnomAD 0.01%). This variant has not been reported in the literature in individuals affected with SIX3-related conditions. Experimental studies and prediction algorithms are not available or were not evaluated, and the functional significance of this variant is currently unknown. In summary, the available evidence is currently insufficient to determine the role of this variant in disease. Therefore, it has been classified as a Variant of Uncertain Significance.

NM_005413.4(SIX3):c.187GGC[4] (p.Gly67_Gly69del)

Gene: SIX3 (SIX homeobox 3; plus strand). Cytogenetic location: 2p21.
Variant type: Microsatellite.
Coding change: c.187GGC[4] on transcript NM_005413.4 (MANE Select); four copies in a row of the 3-base unit GGC starting at c.187; the reference has seven copies in a row; three copies, 9 bases deleted.
Protein change: p.Gly67_Gly69del.
Genome position (GRCh38, 1-based): chr2:44,942,303-44,942,311, GGCGGCGGC deleted; deleting any 9 consecutive bases within chr2:44,942,291-44,942,311 gives the same sequence; the position shown is the placement nearest the transcript's 3' end. VCF-style (leftmost placement, unchanged base first): chr2-44942290-AGGCGGCGGC-A. GRCh37 (hg19) VCF-style: chr2-45169429-AGGCGGCGGC-A.
Other names: c.199_207del9 (NM_005413.3).
Identifiers: ClinVar variation 3643382 (VCV003643382.3).